The following is an entry in ClinVar:

NC_000009.12:g.35657828A>C

Gene: RMRP (RNA component of mitochondrial RNA processing endoribonuclease; minus strand). Cytogenetic location: 9p13.3.
Variant type: single nucleotide variant.
Genome position: GRCh38 VCF-style: chr9-35657828-A-C. GRCh37 (hg19) VCF-style: chr9-35657825-A-C.
Identifiers: ClinVar variation 1678318 (VCV001678318.3), dbSNP rs1303560278, ClinGen allele CA464450598.

ClinVar aggregate classification (germline): Uncertain significance. Review status: criteria provided, multiple submitters, no conflicts (2 of 4 stars). 2 submissions from 2 submitters: Uncertain significance (2). Last evaluated 2024-11-19.

Conditions:
Anauxetic dysplasia. Identifiers: Orphanet 93347, MedGen C1846796, MONDO:0011773.

Allele frequency attached by ClinVar (database versions not stated): gnomAD exomes below 0.00001; gnomAD 0.00001.
gnomAD v4.1: 2 of 692,944 alleles (0.00029%); highest among the groups gnomAD compares: Admixed American, 0.004%; no homozygotes.

Submissions (2):

Labcorp Genetics (formerly Invitae), Labcorp
Classification: Uncertain significance for Anauxetic dysplasia. Last evaluated: 2024-11-19. Review status: criteria provided, single submitter. Criteria: Invitae Variant Classification Sherloc (09022015). Collection method: clinical testing. Allele origin: germline.
Comment: This variant occurs in the RMRP gene, which encodes an RNA molecule that does not result in a protein product. This variant is not present in population databases (gnomAD no frequency). This variant has not been reported in the literature in individuals affected with RMRP-related conditions. ClinVar contains an entry for this variant (Variation ID: 1678318). In summary, the available evidence is currently insufficient to determine the role of this variant in disease. Therefore, it has been classified as a Variant of Uncertain Significance.

AiLife Diagnostics
Classification: Uncertain significance. Last evaluated: 2022-01-17. Review status: criteria provided, single submitter. Criteria: ACMG Guidelines, 2015. Collection method: clinical testing. Allele origin: germline. Affected: yes. Observed: 1 variant allele.